The following is an entry in ClinVar:

NM_000016.6(ACADM):c.57T>C (p.His19=)

Gene: ACADM (acyl-CoA dehydrogenase medium chain; plus strand). Cytogenetic location: 1p31.1.
Variant type: single nucleotide variant.
Coding change: c.57T>C on transcript NM_000016.6 (MANE Select); coding-DNA position 57, T replaced by C.
Protein change: p.His19=; no amino-acid change (histidine 19 retained).
Molecular consequence: synonymous variant. On other transcripts: intron variant (2).
Genome position (GRCh38, 1-based): chr1:75,728,427, T>C. VCF-style: chr1-75728427-T-C. GRCh37 (hg19) VCF-style: chr1-76194112-T-C.
Other names: c.69T>C, p.His23= (NM_001127328.3); c.57T>C, p.His19= (NM_001286043.2); c.10+3610T>C (NM_001286042.2); c.-268+3610T>C (NM_001286044.2).
Identifiers: ClinVar variation 298069 (VCV000298069.39), dbSNP rs762984318, ClinGen allele CA912934.

ClinVar aggregate classification (germline): Conflicting classifications of pathogenicity. Review status: criteria provided, conflicting classifications (1 of 4 stars). 4 submissions from 4 submitters: Uncertain significance (1); Likely benign (3). Last evaluated 2026-01-11.

Conditions:
Inborn genetic diseases. Identifiers: MedGen C0950123, MeSH D030342.
Medium-chain acyl-coenzyme A dehydrogenase deficiency (ACADMD). Also called: MCADD; MCAD Deficiency; ACADM DEFICIENCY; CARNITINE DEFICIENCY SECONDARY TO MEDIUM-CHAIN ACYL-CoA DEHYDROGENASE DEFICIENCY; Medium chain acyl-CoA dehydrogenase deficiency; MCADH DEFICIENCY. Identifiers: Orphanet 42, MedGen C0220710, MONDO:0008721, OMIM 201450.

Allele frequency attached by ClinVar (database versions not stated): ExAC 0.00002; gnomAD 0.00004; TOPMed 0.00009.
gnomAD v4.1: 159 of 1,613,430 alleles (0.0099%); highest among the groups gnomAD compares: Non-Finnish European, 0.012%; no homozygotes.

Submissions (4):

Labcorp Genetics (formerly Invitae), Labcorp
Classification: Likely benign for Medium-chain acyl-coenzyme A dehydrogenase deficiency. Last evaluated: 2026-01-11. Review status: criteria provided, single submitter. Criteria: Invitae Variant Classification Sherloc (09022015). Collection method: clinical testing. Allele origin: germline.

CeGaT Center for Human Genetics Tuebingen
Classification: Likely benign. Last evaluated: 2024-01-01. Review status: criteria provided, single submitter. Criteria: CeGaT Center For Human Genetics Tuebingen Variant Classification Criteria Version 2. Collection method: clinical testing. Allele origin: germline. Affected: yes. Observed: 2 variant alleles.
Comment: ACADM: BP4, BP7

Ambry Genetics
Classification: Likely benign for Inborn genetic diseases. Last evaluated: 2022-10-14. Review status: criteria provided, single submitter. Criteria: Ambry Variant Classification Scheme 2023. Collection method: clinical testing. Allele origin: germline.

Illumina Laboratory Services, Illumina
Classification: Uncertain significance for Medium-chain acyl-coenzyme A dehydrogenase deficiency. Last evaluated: 2018-01-13. Review status: criteria provided, single submitter. Criteria: ICSL Variant Classification Criteria 13 December 2019. Collection method: clinical testing. Allele origin: germline.